The following is an entry in ClinVar:

ClinVar aggregate classification (germline): Uncertain significance (1 of 4 stars; one submission).

Allele frequency attached by ClinVar (database versions not stated): ExAC 0.00001; gnomAD exomes 0.00001; TOPMed 0.00002; gnomAD 0.00003.
gnomAD v4.1: 18 of 1,613,938 alleles (0.0011%); highest among the groups gnomAD compares: African/African-American, 0.015%; no homozygotes.

Submission:

Labcorp Genetics (formerly Invitae), Labcorp
Classification: Uncertain significance. Last evaluated: 2022-08-16. Review status: criteria provided, single submitter. Criteria: Invitae Variant Classification Sherloc (09022015). Collection method: clinical testing. Allele origin: germline.
Comment: Algorithms developed to predict the effect of missense changes on protein structure and function output the following: SIFT: "Deleterious"; PolyPhen-2: "Benign"; Align-GVGD: "Class C0". The methionine amino acid residue is found in multiple mammalian species, which suggests that this missense change does not adversely affect protein function. In summary, the available evidence is currently insufficient to determine the role of this variant in disease. Therefore, it has been classified as a Variant of Uncertain Significance. This variant has not been reported in the literature in individuals affected with ACBD5-related conditions. This variant is present in population databases (rs750290127, gnomAD 0.02%). This sequence change replaces threonine, which is neutral and polar, with methionine, which is neutral and non-polar, at codon 318 of the ACBD5 protein (p.Thr318Met).

NM_145698.5(ACBD5):c.953C>T (p.Thr318Met)

Gene: ACBD5 (acyl-CoA binding domain containing 5; minus strand). Cytogenetic location: 10p12.1.
Variant type: single nucleotide variant.
Coding change: c.953C>T on transcript NM_145698.5 (MANE Select); coding-DNA position 953, C replaced by T.
Protein change: p.Thr318Met; replaces threonine 318 with methionine.
Molecular consequence: missense variant.
Genome position (GRCh38, 1-based): chr10:27,211,065, G>A on the plus strand (C>T on the coding strand, the complement: ACBD5 is on the minus strand). VCF-style: chr10-27211065-G-A. GRCh37 (hg19) VCF-style: chr10-27499994-G-A.
Other names: c.626C>T, p.Thr209Met (NM_001301252.2, NM_001301253.2, NM_001352583.1 and 2 more transcripts); c.422C>T, p.Thr141Met (NM_001301254.2); c.1007C>T, p.Thr336Met (NM_001352568.1); c.932C>T, p.Thr311Met (NM_001352573.1); c.881C>T, p.Thr294Met (NM_001352574.2, NM_001352575.2, NM_001352576.2); c.848C>T, p.Thr283Met (NM_001352579.2, NM_001352577.2, NM_001352578.2 and 1 more transcripts); c.986C>T, p.Thr329Met (NM_001352569.1); c.953C>T, p.Thr318Met (NM_001352570.1); and 10 more; short protein forms T141M, T265M, T327M, T209M, T220M, T283M, T311M, T318M.
Identifiers: ClinVar variation 1907454 (VCV001907454.5), dbSNP rs750290127, ClinGen allele CA5450780.